The following is an entry in ClinVar:

NM_016123.4(IRAK4):c.161G>A (p.Arg54Lys)

Gene: IRAK4 (interleukin 1 receptor associated kinase 4; plus strand). Cytogenetic location: 12q12.
Variant type: single nucleotide variant.
Coding change: c.161G>A on transcript NM_016123.4 (MANE Select); coding-DNA position 161, G replaced by A.
Protein change: p.Arg54Lys; replaces arginine 54 with lysine.
Molecular consequence: missense variant. On other transcripts: 5 prime UTR variant (8), intron variant (2).
Genome position (GRCh38, 1-based): chr12:43,768,272, G>A. VCF-style: chr12-43768272-G-A. GRCh37 (hg19) VCF-style: chr12-44162075-G-A.
Other names: c.161G>A, p.Arg54Lys (NM_001114182.3, NM_001351345.2); c.-66G>A (NM_001145256.2, NM_001145257.2, NM_001351338.2); c.-279G>A (NM_001351339.2, NM_001351340.2, NM_001351341.2); c.-217G>A (NM_001351343.2, NM_001351344.2); c.-278-2766G>A (NM_001351342.2); c.-65-3908G>A (NM_001145258.2); short protein forms R54K.
Identifiers: ClinVar variation 1021149 (VCV001021149.8), dbSNP rs1345805635, ClinGen allele CA384464787.
Genomic context (GRCh38, chr12:43,768,272, plus strand): 5'-AGTTAGCTGTAGCTATTAAAAAACCATCTGGTGATGATAGATACAATCAGTTTCACATAA[G>A]GTAACAGATAAAATTCTTTGTATTTTTAAATTCTTACATCACAATATGGAATGATTAATT-3'
Protein context (NP_057207.2, residues 44-64): GDDRYNQFHI[Arg54Lys]RFEALLQTGK

ClinVar aggregate classification (germline): Uncertain significance (1 of 4 stars; one submission).

Conditions:
Immunodeficiency 67. Also called: Immunodeficiency due to interleukin-1 receptor-associated kinase-4 deficiency. Identifiers: Orphanet 70592, MedGen C1843256, MONDO:0011888, OMIM 607676.

Allele frequency attached by ClinVar (database versions not stated): gnomAD exomes 0.00001; TOPMed 0.00002.
gnomAD v4.1: 10 of 1,602,066 alleles (0.00062%); highest among the groups gnomAD compares: Admixed American, 0.0033%; no homozygotes.

Submission:

Labcorp Genetics (formerly Invitae), Labcorp
Classification: Uncertain significance for Immunodeficiency 67. Last evaluated: 2022-07-10. Review status: criteria provided, single submitter. Criteria: Invitae Variant Classification Sherloc (09022015). Collection method: clinical testing. Allele origin: germline.
Comment: In summary, the available evidence is currently insufficient to determine the role of this variant in disease. Therefore, it has been classified as a Variant of Uncertain Significance. Variants that disrupt the consensus splice site are a relatively common cause of aberrant splicing (PMID: 17576681, 9536098). Algorithms developed to predict the effect of sequence changes on RNA splicing suggest that this variant may disrupt the consensus splice site. Algorithms developed to predict the effect of missense changes on protein structure and function are either unavailable or do not agree on the potential impact of this missense change (SIFT: "Tolerated"; PolyPhen-2: "Probably Damaging"; Align-GVGD: "Class C0"). ClinVar contains an entry for this variant (Variation ID: 1021149). This missense change has been observed in individual(s) with clinical features of IRAK-4 deficiency (PMID: 30073964). This variant is present in population databases (no rsID available, gnomAD 0.006%). This sequence change replaces arginine, which is basic and polar, with lysine, which is basic and polar, at codon 54 of the IRAK4 protein (p.Arg54Lys). This variant also falls at the last nucleotide of exon 2, which is part of the consensus splice site for this exon.

Literature cited by the submitters: PubMed 17576681; PubMed 9536098; PubMed 30073964.